The following is an entry in ClinVar:

ClinVar aggregate classification (germline): Uncertain significance (1 of 4 stars; one submission).

Submission:

Labcorp Genetics (formerly Invitae), Labcorp
Classification: Uncertain significance. Last evaluated: 2024-12-03. Review status: criteria provided, single submitter. Criteria: Invitae Variant Classification Sherloc (09022015). Collection method: clinical testing. Allele origin: germline.
Comment: This sequence change replaces glutamic acid, which is acidic and polar, with valine, which is neutral and non-polar, at codon 32 of the TNNI3K protein (p.Glu32Val). This variant is not present in population databases (gnomAD no frequency). This variant has not been reported in the literature in individuals affected with TNNI3K-related conditions. Invitae Evidence Modeling of protein sequence and biophysical properties (such as structural, functional, and spatial information, amino acid conservation, physicochemical variation, residue mobility, and thermodynamic stability) indicates that this missense variant is not expected to disrupt TNNI3K protein function with a negative predictive value of 80%. In summary, the available evidence is currently insufficient to determine the role of this variant in disease. Therefore, it has been classified as a Variant of Uncertain Significance.

NM_015978.3(TNNI3K):c.95A>T (p.Glu32Val)

Genes: FPGT-TNNI3K (FPGT-TNNI3K readthrough; plus strand), TNNI3K (TNNI3 interacting kinase; plus strand). Cytogenetic location: 1p31.1.
Variant type: single nucleotide variant.
Coding change: c.95A>T on transcript NM_015978.3 (MANE Select); coding-DNA position 95, A replaced by T.
Protein change: p.Glu32Val; replaces glutamic acid 32 with valine.
Molecular consequence: missense variant.
Genome position (GRCh38, 1-based): chr1:74,236,156, A>T. VCF-style: chr1-74236156-A-T. GRCh37 (hg19) VCF-style: chr1-74701840-A-T.
Other names: c.398A>T, p.Glu133Val (NM_001112808.3, NM_001199327.2); short protein forms E32V, E133V.
Identifiers: ClinVar variation 3667326 (VCV003667326.2).